The following is an entry in ClinVar:

NM_000500.9(CYP21A2):c.719T>A (p.Met240Lys)

Genes: CYP21A2 (cytochrome P450 family 21 subfamily A member 2; plus strand), LOC106780800 (CYP21A2 recombination region; plus strand). Cytogenetic location: 6p21.33.
Variant type: single nucleotide variant.
Coding change: c.719T>A on transcript NM_000500.9 (MANE Select); coding-DNA position 719, T replaced by A.
Protein change: p.Met240Lys; replaces methionine 240 with lysine.
Molecular consequence: missense variant.
Genome position (GRCh38, 1-based): chr6:32,039,816, T>A. VCF-style: chr6-32039816-T-A. GRCh37 (hg19) VCF-style: chr6-32007593-T-A.
Other names: M239K; c.629T>A, p.Met210Lys (NM_001128590.4); c.314T>A, p.Met105Lys (NM_001368143.2, NM_001368144.2); c.719T>A (NM_000500.7); short protein forms M240K, M105K, M210K.
Identifiers: ClinVar variation 242688 (VCV000242688.13), dbSNP rs6476, ClinGen allele CA358446.

ClinVar aggregate classification (germline): Conflicting classifications of pathogenicity. Review status: criteria provided, conflicting classifications (1 of 4 stars). 7 submissions from 7 submitters: Uncertain significance (3); Benign (1); Likely benign (2). 1 of the submissions does not count toward it. Last evaluated 2026-03-17.

Conditions:
21-Hydroxylase-Deficient Congenital Adrenal Hyperplasia. Also called: ADRENAL HYPERPLASIA, CONGENITAL, DUE TO 21-HYDROXYLASE DEFICIENCY; ADRENAL HYPERPLASIA III. Identifiers: MedGen C2936858, OMIM 201910.

Allele frequency attached by ClinVar (database versions not stated): 1000 Genomes Project 0.00280; ExAC 0.00142; gnomAD 0.00523; gnomAD exomes 0.00100; 1000 Genomes Project 30x 0.00359.
gnomAD v4.1: 1,417 of 1,613,904 alleles (0.088%); highest among the groups gnomAD compares: African/African-American, 1.5%; 14 homozygotes.

Submissions (7):

Women's Health and Genetics/Laboratory Corporation of America, LabCorp
Classification: Uncertain significance. Last evaluated: 2026-03-17. Review status: criteria provided, single submitter. Criteria: LabCorp Variant Classification Summary - May 2015. Collection method: clinical testing. Allele origin: germline.
Comment: Variant summary: CYP21A2 c.719T>A (p.Met240Lys) results in a non-conservative amino acid change in the encoded protein sequence. Algorithms developed to predict the effect of missense changes on protein structure and function are either unavailable or do not agree on the potential impact of this missense change. The variant allele was found at a frequency of 0.001 in 250242 control chromosomes in the gnomAD database, including 1 homozygotes. p.M240K is found to be part of a recurrent cluster of 3 variants (I237N, V238E and M240K), which belongs to a group of common, pseudogene-derived mutations that are found in patients with classical CAH. This cluster of 3 variants is assumed to be transferred together from the CYP21A1P pseudogene to CYP21A2 in a continuous stretch of DNA (Robins_2005). To our knowledge, p.M240K has been reported in the literature as part of this cluster of 3 variants in individuals affected with Congenital Adrenal Hyperplasia (e.g. Higashi_1991, Barbat_1995, Chang_2011, Kirac_2014, Essawi_2020, Wang_2021, Turan_2022). These reports do not provide unequivocal conclusions about association of the p.M240K variant alone with Congenital Adrenal Hyperplasia. Experimental evidence evaluating an impact on protein function demonstrated that the p.M240K variant alone had no effect on enzyme activity and consequently does not contribute to the disease (Robins_2005). The following publications have been ascertained in the context of this evaluation (PMID: 7749410, 32616876, 21117955, 32614782, 1869518, 25227725, 15623806, 2249999, 33864926, 31586465). ClinVar contains an entry for this variant (Variation ID: 242688). Based on the evidence outlined above, the variant was classified as uncertain significance.

Athena Diagnostics
Classification: Likely benign. Last evaluated: 2025-10-23. Review status: criteria provided, single submitter. Criteria: Athena Diagnostics Criteria. Collection method: clinical testing. Allele origin: unknown.
Comment: This variant commonly occurs as part of a cluster that includes I236N/V237E/M239K; the cluster is a well-established pathogenic allele which is also designated c.710_719delinsACGAGGAGAA. Computational tools predict this amino acid change may be benign. Assessment of experimental evidence regarding the effect of this variant on protein function suggests it has no effect relevant to disease.

Genomic Medicine Center of Excellence, King Faisal Specialist Hospital and Research Centre
Classification: Uncertain significance for 21-Hydroxylase-Deficient Congenital Adrenal Hyperplasia. Last evaluated: 2024-12-10. Review status: criteria provided, single submitter. Criteria: ACMG Guidelines, 2015. Collection method: clinical testing. Allele origin: germline.
Comment: PM1, PP2, BP4

Labcorp Genetics (formerly Invitae), Labcorp
Classification: Uncertain significance. Last evaluated: 2022-10-31. Review status: criteria provided, single submitter. Criteria: Invitae Variant Classification Sherloc (09022015). Collection method: clinical testing. Allele origin: germline.
Comment: This sequence change replaces methionine, which is neutral and non-polar, with lysine, which is basic and polar, at codon 240 of the CYP21A2 protein (p.Met240Lys). The frequency data for this variant in the population databases (gnomAD) is considered unreliable due to the presence of homologous sequence, such as pseudogenes or paralogs, in the genome. The c.719T>A (p.Met240Lys) variant alone has not been reported in the literature in individuals with CYP21A2-related conditions. However, it has been reported to co-occur with the c.710T>A (p.Ile237Asn) and c.713T>A (p.Val238Glu) variants in cis (on the same chromosome), which is known as the c.[710T>A;713T>A;719T>A] haplotype, E6 cluster, or CL6. This haplotype has been reported in the literature as homozygous or in combination with other CYP21A2 variants in individual(s) affected with classic salt-wasting, simple virilizing, and non-classic congenital adrenal hyperplasia due to 21-hydroxylase deficiency (PMID: 12915679, 1644925, 23359698, 26804566). This variant is also known as p.M239K. ClinVar contains an entry for this variant (Variation ID: 242688). Advanced modeling of protein sequence and biophysical properties (such as structural, functional, and spatial information, amino acid conservation, physicochemical variation, residue mobility, and thermodynamic stability) performed at Invitae indicates that this missense variant is not expected to disrupt CYP21A2 protein function. While the c.719T>A (p.Met240Lys) variant alone does not substantially affect CYP21A2 protein function, the c.[710T>A;713T>A;719T>A] haplotype has been reported to abolish enzyme activity (PMID: 15623806). In summary, the available evidence is currently insufficient to determine the role of this variant in disease. Therefore, it has been classified as a Variant of Uncertain Significance.

3billion
Classification: Likely benign for 21-Hydroxylase-Deficient Congenital Adrenal Hyperplasia. Last evaluated: 2022-05-22. Review status: criteria provided, single submitter. Criteria: ACMG Guidelines, 2015. Collection method: clinical testing. Allele origin: germline. Affected: yes. Observed: 1 homozygote.
Comment: The variant is observed as homozygous in at least two unrelated individuals/adults in the gnomAD v.2.1.1 dataset, being considered benign, however it is informative in the circumstances for the cluster of variants for pathogenicity. In silico tool predictions suggest no damaging effect of the variant on gene or gene product (REVEL: 0.18; 3Cnet: 0.04). Same nucleotide change resulting in same amino acid change has been previously reported to be associated with CYP21A2 related disorder (ClinVar ID: VCV000242688). Therefore, this variant is classified as pathogenic according to the recommendation of ACMG/AMP guideline.

Department of Pathology and Laboratory Medicine, Sinai Health System
Classification: Benign for classic congenital adrenal hyperplasia due to 21-hydroxylase deficiency. Last evaluated: 2022-04-26. Review status: criteria provided, single submitter. Criteria: ACMG Guidelines, 2015. Collection method: research. Allele origin: germline.

Clinical Genetics and Genomics, Karolinska University Hospital
Classification: Pathogenic. Last evaluated: 2017-05-23. Review status: flagged submission. Criteria: ACMG Guidelines, 2015. Collection method: clinical testing. Allele origin: germline. Affected: yes. Observed: 11 variant alleles. Not counted in ClinVar's aggregate classification.
ClinVar note: Reason: Outlier claim with insufficient supporting evidence

Literature cited by the submitters: PubMed 7749410 (cited by Women's Health and Genetics/Laboratory Corporation of America, LabCorp); PubMed 15623806 (cited by 3 submitters); PubMed 2249999 (cited by Women's Health and Genetics/Laboratory Corporation of America, LabCorp); PubMed 1869518 (cited by Women's Health and Genetics/Laboratory Corporation of America, LabCorp); PubMed 32616876 (cited by Women's Health and Genetics/Laboratory Corporation of America, LabCorp); PubMed 33864926 (cited by Women's Health and Genetics/Laboratory Corporation of America, LabCorp and Athena Diagnostics); PubMed 21117955 (cited by Women's Health and Genetics/Laboratory Corporation of America, LabCorp and Athena Diagnostics); PubMed 32614782 (cited by Women's Health and Genetics/Laboratory Corporation of America, LabCorp); PubMed 25227725 (cited by Women's Health and Genetics/Laboratory Corporation of America, LabCorp and Athena Diagnostics); PubMed 31586465 (cited by Women's Health and Genetics/Laboratory Corporation of America, LabCorp and Athena Diagnostics); PubMed 22020670 (cited by Athena Diagnostics); PubMed 14513879 (cited by Athena Diagnostics); PubMed 35008721 (cited by Athena Diagnostics); PubMed 12915679 (cited by Labcorp Genetics (formerly Invitae), Labcorp); PubMed 1644925 (cited by Labcorp Genetics (formerly Invitae), Labcorp); PubMed 23359698 (cited by Labcorp Genetics (formerly Invitae), Labcorp); PubMed 26804566 (cited by Labcorp Genetics (formerly Invitae), Labcorp).